The following is an entry in ClinVar:

ClinVar aggregate classification (germline): Pathogenic (1 of 4 stars; one submission).

Conditions:
Ehlers-Danlos syndrome, dermatosparaxis type. Also called: EDS VIIC; Dermatosparaxis; Ehlers-Danlos syndrome, type VII, autosomal recessive. Identifiers: Orphanet 1901, MedGen C2700425, MONDO:0009161, OMIM 225410.

Submission:

Myriad Genetics, Inc.
Classification: Pathogenic for Ehlers-Danlos syndrome, dermatosparaxis type. Last evaluated: 2024-05-14. Review status: criteria provided, single submitter. Criteria: Myriad Autosomal Dominant, Autosomal Recessive and X-Linked Classification Criteria (2023). Collection method: clinical testing. Allele origin: unknown.
Comment: NM_014244.4(ADAMTS2):c.73_74ins5(P25Lfs*142) is expected to be pathogenic in the context of Ehlers-Danlos syndrome, ADAMTS2-related. This variant is predicted to lead to an abnormal or absent protein product due to the creation of a premature termination codon in ADAMTS2, a gene where loss-of-function variants are known to be pathogenic. Please note: this variant was assessed in the context of healthy population screening.

NM_014244.5(ADAMTS2):c.73_74insTTATA (p.Pro25fs)

Gene: ADAMTS2 (ADAM metallopeptidase with thrombospondin type 1 motif 2; minus strand). Cytogenetic location: 5q35.3.
Variant type: Insertion.
Coding change: c.73_74insTTATA on transcript NM_014244.5 (MANE Select); coding-DNA positions 73 to 74, TTATA inserted.
Protein change: p.Pro25fs; shifts the reading frame from proline 25.
Molecular consequence: frameshift variant.
Genome position: GRCh38 VCF-style: chr5-179345255-G-GTATAA. GRCh37 (hg19) VCF-style: chr5-178772256-G-GTATAA.
Other names: c.73_74insTTATA, p.Pro25fs (NM_021599.4); short protein forms P25fs.
Identifiers: ClinVar variation 5010725 (VCV005010725.1).